The following is an entry in ClinVar:

ClinVar aggregate classification (germline): Pathogenic/Likely pathogenic. Review status: criteria provided, multiple submitters, no conflicts (2 of 4 stars). 5 submissions from 5 submitters: Pathogenic (3); Likely pathogenic (2). Last evaluated 2023-07-07.

Conditions:
Hereditary cancer-predisposing syndrome. Also called: Neoplastic Syndromes, Hereditary; Hereditary neoplastic syndrome; Tumor predisposition; Hereditary Cancer Syndrome. Identifiers: Orphanet 140162, MedGen C0027672, MeSH D009386, MONDO:0015356.
Cardiovascular phenotype. Identifiers: MedGen CN230736.
Neurofibromatosis, type 1 (NF1). Also called: NEUROFIBROMATOSIS, TYPE I, SOMATIC; VON RECKLINGHAUSEN DISEASE; Peripheral type neurofibromatosis; Neurofibromatosis, type I. Identifiers: Orphanet 636, MedGen C0027831, MONDO:0018975, OMIM 162200. Disease mechanism: loss of function.

Submissions (5):

Labcorp Genetics (formerly Invitae), Labcorp
Classification: Pathogenic for Neurofibromatosis, type 1. Last evaluated: 2023-07-07. Review status: criteria provided, single submitter. Criteria: Invitae Variant Classification Sherloc (09022015). Collection method: clinical testing. Allele origin: germline.
Comment: For these reasons, this variant has been classified as Pathogenic. Studies have shown that this missense change results in the activation of a cryptic splice site in exon 9 (PMID: 23758643). Advanced modeling of protein sequence and biophysical properties (such as structural, functional, and spatial information, amino acid conservation, physicochemical variation, residue mobility, and thermodynamic stability) performed at Invitae indicates that this missense variant is expected to disrupt NF1 protein function. ClinVar contains an entry for this variant (Variation ID: 547578). This missense change has been observed in individual(s) with neurofibromatosis type 1 (PMID: 17311297, 23758643, 23913538, 31776437; Invitae). This variant is not present in population databases (gnomAD no frequency). This sequence change replaces alanine, which is neutral and non-polar, with valine, which is neutral and non-polar, at codon 330 of the NF1 protein (p.Ala330Val). RNA analysis indicates that this missense change induces altered splicing and likely results in the loss of 25 amino acid residue(s), but is expected to preserve the integrity of the reading-frame.

Ambry Genetics
Classification: Likely pathogenic for Cardiovascular phenotype; Hereditary cancer-predisposing syndrome. Last evaluated: 2022-06-29. Review status: criteria provided, single submitter. Criteria: Ambry Variant Classification Scheme 2023. Collection method: clinical testing. Allele origin: germline.
Comment: The p.A330V variant (also known as c.989C>T), located in coding exon 9 of the NF1 gene, results from a C to T substitution at nucleotide position 989. The alanine at codon 330 is replaced by valine, an amino acid with similar properties. This amino acid position is highly conserved in available vertebrate species and this variant is considered to be rare based on population cohorts in the Genome Aggregation Database (gnomAD). This variant has been reported in multiple individuals with neurofibromatosis type 1 (Wimmer K. et al, Hum Mutat. 2007 Jun;28(6):599-612; Bolcekova A. et al, Neoplasma 2013 ;60(6):655-65; Sabbagh A. et al, Hum Mutat. 2013 Nov;34(11):1510-8; Kang E et al, J Hum Genet. 2020 Jan;65(2):79-89). Additionally, functional studies have reported that this alteration results in abnormal splicing (Nemethova M. et al, Ann Hum Genet. 2013 Sep;77(5):364-79). In silico splice site analysis predicts that this alteration will result in the creation or strengthening of a novel splice donor site; however, direct evidence is insufficient at this time (Ambry internal data). Based on the majority of available evidence to date, this variant is likely to be pathogenic.

Genome-Nilou Lab
Classification: Likely pathogenic for Neurofibromatosis, type 1. Last evaluated: 2022-03-15. Review status: criteria provided, single submitter. Criteria: ACMG Guidelines, 2015. Collection method: clinical testing. Allele origin: germline. Affected: no.

GeneDx
Classification: Pathogenic. Last evaluated: 2021-05-17. Review status: criteria provided, single submitter. Criteria: GeneDx Variant Classification Process June 2021. Collection method: clinical testing. Allele origin: germline. Affected: yes.
Comment: Published functional studies demonstrate a damaging effect: exonic splice variant demonstrated to result in loss of last 25 amino acids of exon 9, also reported as exon 7 (Wimmer 2007, Sabbagh 2013); Not observed in large population cohorts (Lek 2016); In silico analysis supports a deleterious effect on splicing; In silico analysis supports that this missense variant has a deleterious effect on protein structure/function; This variant is associated with the following publications: (PMID: 17311297, 23913538, 23758643, 23906300, 31776437)

Center for Human Genetics, Inc
Classification: Pathogenic for Neurofibromatosis, type 1. Last evaluated: 2016-11-01. Review status: criteria provided, single submitter. Criteria: ACMG Guidelines, 2015. Collection method: clinical testing. Allele origin: germline. Affected: yes.

Literature cited by the submitters: PubMed 23758643 (cited by Labcorp Genetics (formerly Invitae), Labcorp); PubMed 17311297 (cited by Labcorp Genetics (formerly Invitae), Labcorp); PubMed 23913538 (cited by Labcorp Genetics (formerly Invitae), Labcorp); PubMed 31776437 (cited by Labcorp Genetics (formerly Invitae), Labcorp).

NM_001042492.3(NF1):c.989C>T (p.Ala330Val)

Gene: NF1 (neurofibromin 1; plus strand). Cytogenetic location: 17q11.2.
Variant type: single nucleotide variant.
Coding change: c.989C>T on transcript NM_001042492.3 (MANE Select); coding-DNA position 989, C replaced by T.
Protein change: p.Ala330Val; replaces alanine 330 with valine.
Molecular consequence: missense variant.
Genome position (GRCh38, 1-based): chr17:31,200,522, C>T. VCF-style: chr17-31200522-C-T. GRCh37 (hg19) VCF-style: chr17-29527540-C-T.
Other names: c.989C>T, p.Ala330Val (NM_000267.4, NM_001128147.3); short protein forms A330V.
Identifiers: ClinVar variation 547578 (VCV000547578.13), dbSNP rs1555610898, ClinGen allele CA398996129.